The following is an entry in ClinVar:

ClinVar aggregate classification (germline): Uncertain significance. Review status: criteria provided, multiple submitters, no conflicts (2 of 4 stars). 2 submissions from 2 submitters: Uncertain significance (2). Last evaluated 2025-10-28.

Conditions:
Leber congenital amaurosis 2 (LCA2). Also called: Autosomal Recessive RPE65-Related Retinal Degeneration; AMAUROSIS CONGENITA OF LEBER II. Identifiers: Orphanet 65, MedGen C1859844, MONDO:0008765, OMIM 204100. Disease mechanism: loss of function.
Retinitis pigmentosa 20 (RP20). Identifiers: Orphanet 791, MedGen C3151086, MONDO:0013425, OMIM 613794.

Submissions (2):

Women's Health and Genetics/Laboratory Corporation of America, LabCorp
Classification: Uncertain significance. Last evaluated: 2025-10-28. Review status: criteria provided, single submitter. Criteria: LabCorp Variant Classification Summary - May 2015. Collection method: clinical testing. Allele origin: germline.
Comment: Variant summary: RPE65 c.131G>T (p.Arg44Leu) results in a non-conservative amino acid change in the encoded protein sequence. Algorithms developed to predict the effect of missense changes on protein structure and function all suggest that this variant is likely to be disruptive. The variant was absent in 251472 control chromosomes. The available data on variant occurrences in the general population are insufficient to allow any conclusion about variant significance. To our knowledge, no occurrence of c.131G>T in individuals affected with RPE65-related conditions and no experimental evidence demonstrating its impact on protein function have been reported. ClinVar contains an entry for this variant (Variation ID: 1474494). Based on the evidence outlined above, the variant was classified as uncertain significance.

Labcorp Genetics (formerly Invitae), Labcorp
Classification: Uncertain significance for Leber congenital amaurosis 2; Retinitis pigmentosa 20. Last evaluated: 2022-02-08. Review status: criteria provided, single submitter. Criteria: Invitae Variant Classification Sherloc (09022015). Collection method: clinical testing. Allele origin: germline.
Comment: In summary, the available evidence is currently insufficient to determine the role of this variant in disease. Therefore, it has been classified as a Variant of Uncertain Significance. This variant disrupts the p.Arg44 amino acid residue in RPE65. Other variant(s) that disrupt this residue have been determined to be pathogenic (PMID: 11462243, 15024725, 18539930, 19431183, 20079931). This suggests that this residue is clinically significant, and that variants that disrupt this residue are likely to be disease-causing. Algorithms developed to predict the effect of missense changes on protein structure and function are either unavailable or do not agree on the potential impact of this missense change (SIFT: "Deleterious"; PolyPhen-2: "Probably Damaging"; Align-GVGD: "Class C0"). This missense change has been observed in individual(s) with RPE65-related conditions (Invitae). In at least one individual the data is consistent with being in trans (on the opposite chromosome) from a pathogenic variant. This variant is not present in population databases (gnomAD no frequency). This sequence change replaces arginine, which is basic and polar, with leucine, which is neutral and non-polar, at codon 44 of the RPE65 protein (p.Arg44Leu).

Literature cited by the submitters: PubMed 11462243 (cited by Labcorp Genetics (formerly Invitae), Labcorp); PubMed 15024725 (cited by Labcorp Genetics (formerly Invitae), Labcorp); PubMed 18539930 (cited by Labcorp Genetics (formerly Invitae), Labcorp); PubMed 19431183 (cited by Labcorp Genetics (formerly Invitae), Labcorp); PubMed 20079931 (cited by Labcorp Genetics (formerly Invitae), Labcorp).

NM_000329.3(RPE65):c.131G>T (p.Arg44Leu)

Gene: RPE65 (retinoid isomerohydrolase RPE65; minus strand). Cytogenetic location: 1p31.3.
Variant type: single nucleotide variant.
Coding change: c.131G>T on transcript NM_000329.3 (MANE Select); coding-DNA position 131, G replaced by T.
Protein change: p.Arg44Leu; replaces arginine 44 with leucine.
Molecular consequence: missense variant.
Genome position (GRCh38, 1-based): chr1:68,446,824, C>A on the plus strand (G>T on the coding strand, the complement: RPE65 is on the minus strand). VCF-style: chr1-68446824-C-A. GRCh37 (hg19) VCF-style: chr1-68912507-C-A.
Other names: short protein forms R44L.
Identifiers: ClinVar variation 1474494 (VCV001474494.7), dbSNP rs61751282, ClinGen allele CA340749205.